The following is an entry in ClinVar:

NM_170707.4(LMNA):c.598A>G (p.Met200Val)

Gene: LMNA (lamin A/C; plus strand). Cytogenetic location: 1q22.
Variant type: single nucleotide variant.
Coding change: c.598A>G on transcript NM_170707.4 (MANE Select); coding-DNA position 598, A replaced by G.
Protein change: p.Met200Val; replaces methionine 200 with valine.
Molecular consequence: missense variant.
Genome position (GRCh38, 1-based): chr1:156,134,487, A>G. VCF-style: chr1-156134487-A-G. GRCh37 (hg19) VCF-style: chr1-156104278-A-G.
Other names: c.598A>G (NM_170707.2); c.262A>G, p.Met88Val (NM_001257374.3); c.355A>G, p.Met119Val (NM_001282624.2); c.598A>G, p.Met200Val (NM_001282625.2, NM_001282626.2, NM_005572.4 and 1 more transcripts); short protein forms M200V, M119V, M88V.
Identifiers: ClinVar variation 640948 (VCV000640948.13), dbSNP rs777419380, ClinGen allele CA053826.

ClinVar aggregate classification (germline): Uncertain significance. Review status: criteria provided, multiple submitters, no conflicts (2 of 4 stars). 7 submissions from 7 submitters: Uncertain significance (7). Last evaluated 2026-09-09.

Conditions:
Primary dilated cardiomyopathy (DCM). Also called: Dilated Cardiomyopathy. Identifiers: Orphanet 217604, MedGen C0007193, MeSH D002311, MONDO:0005021, HP:0001644. Inheritance: Various modes of inheritance.
LMNA-related disorder. Also called: LMNA-related condition; LMNA-related disease; LMNA-related disorders. Identifiers: MedGen CN380145.
Charcot-Marie-Tooth disease type 2. Also called: Charcot-Marie-Tooth type 2. Identifiers: Orphanet 64746, MedGen C0270914, MONDO:0018993.
Cardiomyopathy (CMYO). Also called: Cardiomyopathies. Identifiers: Orphanet 167848, MedGen C0878544, MONDO:0004994, HP:0001638. Inheritance: Various modes of inheritance.

Allele frequency attached by ClinVar (database versions not stated): gnomAD 0.00001; gnomAD exomes 0.00001; TOPMed 0.00001; ExAC 0.00002.
gnomAD v4.1: 6 of 1,614,070 alleles (0.00037%); highest among the groups gnomAD compares: Middle Eastern, 0.016%; no homozygotes.

Submissions (7):

PreventionGenetics, part of Exact Sciences
Classification: Uncertain significance for LMNA-related condition. Last evaluated: 2026-09-09. Review status: criteria provided, single submitter. Criteria: ACMG Guidelines, 2015. Collection method: clinical testing. Allele origin: germline.
Comment: The LMNA c.598A>G variant is predicted to result in the amino acid substitution p.Met200Val. This variant has been reported in the heterozygous state in two siblings with a dilated left ventricle and mild skeletal abnormalities (Baban et al. 2020. PubMed ID: 32793522), and in two individuals with dilated cardiomyopathy (Supplementary Table S2 in Mio et al. 2024. PubMed ID: 38837338). This variant is reported in 0.0018% of alleles in individuals of European (Non-Finnish) descent in gnomAD. At this time, the clinical significance of this variant is uncertain due to the absence of conclusive functional and genetic evidence.

Dasa
Classification: Uncertain significance. Last evaluated: 2025-06-26. Review status: criteria provided, single submitter. Criteria: DASA Assertion Criteria. Collection method: clinical testing. Allele origin: germline.
Comment: NM_170707.4(LMNA):c.598A>G (p.Met200Val) is a missense variant that results in the substitution of methionine with valine. The affected residue or protein region has prior evidence supporting clinical relevance. This variant is rare in population databases. Computational prediction algorithms are consistent with a benign effect. The currently available literature and clinical evidence are not sufficient to establish a definitive association between this variant and the reported condition. Therefore, this variant is classified as a variant of uncertain significance.

GeneDx
Classification: Uncertain significance. Last evaluated: 2025-04-25. Review status: criteria provided, single submitter. Criteria: GeneDx Variant Classification Process June 2021. Collection method: clinical testing. Allele origin: germline. Affected: yes.
Comment: Reported previously as a paternally inherited variant of uncertain significance in siblings with a dilated left ventricle, pectus excavatum, mild hyperlaxity, and dysmorphic facial features; a paternal great-uncle was noted to have cardiomyopathy but no clinical information was provided on the father (PMID: 32793522); Not observed at significant frequency in large population cohorts (gnomAD); In silico analysis indicates that this missense variant does not alter protein structure/function; This variant is associated with the following publications: (PMID: 38837338, 10939567, 28679633, 32793522)

Athena Diagnostics
Classification: Uncertain significance. Last evaluated: 2024-08-21. Review status: criteria provided, single submitter. Criteria: Athena Diagnostics Criteria. Collection method: clinical testing. Allele origin: unknown.
Comment: Available data are insufficient to determine the clinical significance of the variant at this time. The frequency of this variant in the general population is uninformative in assessment of its pathogenicity. This variant has been identified in at least one individual with clinical features associated with autosomal dominant dilated cardiomyopathy. Polyphen and MutationTaster predict this amino acid change may be benign.

Color Diagnostics, LLC DBA Color Health
Classification: Uncertain significance for Cardiomyopathy. Last evaluated: 2024-08-05. Review status: criteria provided, single submitter. Criteria: ACMG Guidelines, 2015. Collection method: clinical testing. Allele origin: germline.
Comment: This missense variant replaces methionine with valine at codon 200 of the LMNA protein. Computational prediction tools indicate that this variant has a neutral impact on protein structure and function. To our knowledge, functional studies have not been reported for this variant. This variant has been reported in an individual affected with dilated cardiomyopathy (PMID: 38837338) and in two siblings affected with dilated left ventricle and with a family history of dilated cardiomyopathy (PMID: 32793522). This variant has been identified in 2/251380 chromosomes in the general population by the Genome Aggregation Database (gnomAD). The available evidence is insufficient to determine the role of this variant in disease conclusively. Therefore, this variant is classified as a Variant of Uncertain Significance.

All of Us Research Program, National Institutes of Health
Classification: Uncertain significance for Primary dilated cardiomyopathy. Last evaluated: 2023-06-28. Review status: criteria provided, single submitter. Criteria: ACMG Guidelines, 2015. Collection method: clinical testing. Allele origin: germline. Inheritance: Autosomal dominant inheritance. Observed: 1 variant allele, 1 heterozygote.
Comment: This study involves interpretation of variants in research participants for the purpose of population health screening. Participant phenotype was not available at the time of variant classification. Additional details can be found in publication PMID: 35346344, PMCID: PMC8962531

Labcorp Genetics (formerly Invitae), Labcorp
Classification: Uncertain significance for Charcot-Marie-Tooth disease type 2. Last evaluated: 2022-10-18. Review status: criteria provided, single submitter. Criteria: Invitae Variant Classification Sherloc (09022015). Collection method: clinical testing. Allele origin: germline.
Comment: In summary, the available evidence is currently insufficient to determine the role of this variant in disease. Therefore, it has been classified as a Variant of Uncertain Significance. Advanced modeling of protein sequence and biophysical properties (such as structural, functional, and spatial information, amino acid conservation, physicochemical variation, residue mobility, and thermodynamic stability) has been performed at Invitae for this missense variant, however the output from this modeling did not meet the statistical confidence thresholds required to predict the impact of this variant on LMNA protein function. ClinVar contains an entry for this variant (Variation ID: 640948). This missense change has been observed in individual(s) with clinical features of LMNA-related conditions (PMID: 32793522). This variant is present in population databases (rs777419380, gnomAD 0.0009%). This sequence change replaces methionine, which is neutral and non-polar, with valine, which is neutral and non-polar, at codon 200 of the LMNA protein (p.Met200Val).

Literature cited by the submitters: PubMed 32793522 (cited by 3 submitters); PubMed 38837338 (cited by Athena Diagnostics and Color Diagnostics, LLC DBA Color Health); PubMed 28679633 (cited by Athena Diagnostics).